The following is an entry in ClinVar:

ClinVar aggregate classification (germline): Likely benign (0 of 4 stars; one submission).

Conditions:
SIPA1L3-related disorder. Also called: SIPA1L3-related condition.

Allele frequency attached by ClinVar (database versions not stated): TOPMed 0.00002; gnomAD 0.00004; gnomAD exomes 0.00007; ExAC 0.00010; ESP Exome Variant Server 0.00015.
gnomAD v4.1: 108 of 1,609,324 alleles (0.0067%); highest among the groups gnomAD compares: Middle Eastern, 0.066%; no homozygotes.

Submission:

PreventionGenetics, part of Exact Sciences
Classification: Likely benign for SIPA1L3-related condition. Last evaluated: 2019-06-07. Review status: no assertion criteria provided. Collection method: clinical testing. Allele origin: germline.
Comment: This variant is classified as likely benign based on ACMG/AMP sequence variant interpretation guidelines (Richards et al. 2015 PMID: 25741868, with internal and published modifications).

NM_015073.3(SIPA1L3):c.1704G>A (p.Thr568=)

Gene: SIPA1L3 (signal induced proliferation associated 1 like 3; plus strand). Cytogenetic location: 19q13.13.
Variant type: single nucleotide variant.
Coding change: c.1704G>A on transcript NM_015073.3 (MANE Select); coding-DNA position 1704, G replaced by A.
Protein change: p.Thr568=; no amino-acid change (threonine 568 retained).
Molecular consequence: synonymous variant.
Genome position (GRCh38, 1-based): chr19:38,100,000, G>A. VCF-style: chr19-38100000-G-A. GRCh37 (hg19) VCF-style: chr19-38590640-G-A.
Identifiers: ClinVar variation 3043612 (VCV003043612.2), dbSNP rs142598144, ClinGen allele CA9409456.